The following is an entry in ClinVar:

NM_002633.3(PGM1):c.107C>A (p.Ala36Glu)

Genes: PGM1 (phosphoglucomutase 1; plus strand), LOC129930668 (ATAC-STARR-seq lymphoblastoid active region 1127; plus strand). Cytogenetic location: 1p31.3.
Variant type: single nucleotide variant.
Coding change: c.107C>A on transcript NM_002633.3 (MANE Select); coding-DNA position 107, C replaced by A.
Protein change: p.Ala36Glu; replaces alanine 36 with glutamic acid.
Molecular consequence: missense variant.
Genome position (GRCh38, 1-based): chr1:63,593,595, C>A. VCF-style: chr1-63593595-C-A. GRCh37 (hg19) VCF-style: chr1-64059266-C-A.
Other names: short protein forms A36E.
Identifiers: ClinVar variation 874603 (VCV000874603.10), dbSNP rs146477640, ClinGen allele CA889357.

ClinVar aggregate classification (germline): Uncertain significance. Review status: criteria provided, multiple submitters, no conflicts (2 of 4 stars). 4 submissions from 4 submitters: Uncertain significance (4). Last evaluated 2026-01-06.

Conditions:
PGM1-congenital disorder of glycosylation. Also called: Congenital disorder of glycosylation type 1t; PGM1 DEFICIENCY; GLYCOGEN STORAGE DISEASE XIV; GSD XIV; CDG It; PHOSPHOGLUCOMUTASE 1 DEFICIENCY. Identifiers: Orphanet 319646, MedGen C2752015, MONDO:0013968, OMIM 614921.
PGM1-related disorder. Also called: PGM1-related condition; PGM1-related disorders.

Allele frequency attached by ClinVar (database versions not stated): ESP Exome Variant Server 0.00008; ExAC 0.00012; TOPMed 0.00029; 1000 Genomes Project 0.00060; 1000 Genomes Project 30x 0.00078.
gnomAD v4.1: 96 of 1,613,614 alleles (0.0059%); highest among the groups gnomAD compares: Admixed American, 0.11%; no homozygotes.

Submissions (4):

PreventionGenetics, part of Exact Sciences
Classification: Uncertain significance for PGM1-related condition. Last evaluated: 2026-01-06. Review status: criteria provided, single submitter. Criteria: ACMG Guidelines, 2015. Collection method: clinical testing. Allele origin: germline.
Comment: The PGM1 c.107C>A variant is predicted to result in the amino acid substitution p.Ala36Glu. To our knowledge, this variant has not been reported in the literature. This variant is reported in 0.061% of alleles in individuals of Latino descent in gnomAD. Although we suspect that this variant may be benign, at this time, the clinical significance of this variant is uncertain due to the absence of conclusive functional and genetic evidence.

Labcorp Genetics (formerly Invitae), Labcorp
Classification: Uncertain significance for PGM1-congenital disorder of glycosylation. Last evaluated: 2022-10-24. Review status: criteria provided, single submitter. Criteria: Invitae Variant Classification Sherloc (09022015). Collection method: clinical testing. Allele origin: germline.
Comment: This sequence change replaces alanine, which is neutral and non-polar, with glutamic acid, which is acidic and polar, at codon 36 of the PGM1 protein (p.Ala36Glu). This variant is present in population databases (rs146477640, gnomAD 0.05%). This variant has not been reported in the literature in individuals affected with PGM1-related conditions. ClinVar contains an entry for this variant (Variation ID: 874603). Advanced modeling of protein sequence and biophysical properties (such as structural, functional, and spatial information, amino acid conservation, physicochemical variation, residue mobility, and thermodynamic stability) performed at Invitae indicates that this missense variant is not expected to disrupt PGM1 protein function. In summary, the available evidence is currently insufficient to determine the role of this variant in disease. Therefore, it has been classified as a Variant of Uncertain Significance.

GeneDx
Classification: Uncertain significance. Last evaluated: 2019-10-04. Review status: criteria provided, single submitter. Criteria: GeneDx Variant Classification Process June 2021. Collection method: clinical testing. Allele origin: germline. Affected: yes.
Comment: In silico analysis, which includes protein predictors and evolutionary conservation, supports that this variant does not alter protein structure/function; Has not been previously published as pathogenic or benign to our knowledge

Illumina Laboratory Services, Illumina
Classification: Uncertain significance for PGM1-congenital disorder of glycosylation. Last evaluated: 2018-01-13. Review status: criteria provided, single submitter. Criteria: ICSL Variant Classification Criteria 13 December 2019. Collection method: clinical testing. Allele origin: germline.